The following is an entry in ClinVar:

NM_000062.3(SERPING1):c.1216del (p.Ser406fs)

Gene: SERPING1 (serpin family G member 1; plus strand). Cytogenetic location: 11q12.1.
Variant type: Deletion.
Coding change: c.1216del on transcript NM_000062.3 (MANE Select); coding-DNA position 1216, one base deleted (A; older notation c.1216delA).
Protein change: p.Ser406fs; shifts the reading frame from serine 406.
Molecular consequence: frameshift variant.
Genome position (GRCh38, 1-based): chr11:57,611,903, A deleted. VCF-style (leftmost placement, unchanged base first): chr11-57611902-CA-C. GRCh37 (hg19) VCF-style: chr11-57379375-CA-C.
Other names: c.1216del, p.Ser406fs (NM_001032295.2); c.1216delA (NM_000062.3); short protein forms S406fs.
Identifiers: ClinVar variation 3255530 (VCV003255530.2).

ClinVar aggregate classification (germline): Pathogenic (1 of 4 stars; one submission).

Conditions:
Hereditary angioedema type 1 (HAE1). Identifiers: Orphanet 100050, Orphanet 100051, Orphanet 91378, MedGen C2717906, MONDO:0015053, OMIM 106100.

Submission:

DNA-diagnostics Laboratory, Research Centre For Medical Genetics
Classification: Pathogenic for Hereditary angioedema type 1. Last evaluated: 2024-07-26. Review status: criteria provided, single submitter. Criteria: ACMG Guidelines, 2015. Collection method: research. Allele origin: germline. Inheritance: Autosomal dominant inheritance. Affected: yes. Observed: 1 heterozygote.
Comment: According to our observation and the published information (Gösswein et al., 2008), the c.1216delA variant in SERPING1 meets ACMG/ClinGen SVI guidance criteria to be classified as pathogenic: PVS1_Str, PS4_Mod, PP4_Mod, PM2_Sup, PP1

Literature cited by the submitters: PubMed 18758157.